The following is an entry in ClinVar:

NM_032279.4(ATP13A4):c.2319C>T (p.Asp773=)

Gene: ATP13A4 (ATPase 13A4; minus strand). Cytogenetic location: 3q29.
Variant type: single nucleotide variant.
Coding change: c.2319C>T on transcript NM_032279.4 (MANE Select); coding-DNA position 2319, C replaced by T.
Protein change: p.Asp773=; no amino-acid change (aspartic acid 773 retained).
Molecular consequence: synonymous variant.
Genome position (GRCh38, 1-based): chr3:193,441,586, G>A on the plus strand (C>T on the coding strand, the complement: ATP13A4 is on the minus strand). VCF-style: chr3-193441586-G-A. GRCh37 (hg19) VCF-style: chr3-193159375-G-A.
Identifiers: ClinVar variation 2654358 (VCV002654358.24), dbSNP rs778874179, ClinGen allele CA2758110.

ClinVar aggregate classification (germline): Likely benign (1 of 4 stars; one submission).

Allele frequency attached by ClinVar (database versions not stated): gnomAD exomes below 0.00001; gnomAD 0.00001; TOPMed 0.00001.
gnomAD v4.1: 4 of 1,613,030 alleles (0.00025%); highest among the groups gnomAD compares: Non-Finnish European, 0.00025%; no homozygotes.

Submission:

CeGaT Center for Human Genetics Tuebingen
Classification: Likely benign. Last evaluated: 2023-03-01. Review status: criteria provided, single submitter. Criteria: CeGaT Center For Human Genetics Tuebingen Variant Classification Criteria Version 2. Collection method: clinical testing. Allele origin: germline. Affected: yes. Observed: 1 variant allele.
Comment: ATP13A4: BP4, BP7